The following is an entry in ClinVar:

NM_004329.3(BMPR1A):c.972T>C (p.Ala324=)

Gene: BMPR1A (bone morphogenetic protein receptor type 1A; plus strand). Cytogenetic location: 10q23.2.
Variant type: single nucleotide variant.
Coding change: c.972T>C on transcript NM_004329.3 (MANE Select); coding-DNA position 972, T replaced by C.
Protein change: p.Ala324=; no amino-acid change (alanine 324 retained).
Molecular consequence: synonymous variant.
Genome position (GRCh38, 1-based): chr10:86,919,275, T>C. VCF-style: chr10-86919275-T-C. GRCh37 (hg19) VCF-style: chr10-88679032-T-C.
Identifiers: ClinVar variation 491021 (VCV000491021.17), dbSNP rs1301330096, ClinGen allele CA470372857.

ClinVar aggregate classification (germline): Benign/Likely benign. Review status: criteria provided, multiple submitters, no conflicts (2 of 4 stars). 5 submissions from 5 submitters: Benign (1); Likely benign (4). Last evaluated 2025-11-10.

Conditions:
Juvenile polyposis syndrome (JPS). Identifiers: Orphanet 2929, MedGen C0345893, MONDO:0017380, OMIM 174900.
Hereditary cancer-predisposing syndrome. Also called: Tumor predisposition; Neoplastic Syndromes, Hereditary; Hereditary Cancer Syndrome; Hereditary neoplastic syndrome. Identifiers: Orphanet 140162, MedGen C0027672, MeSH D009386, MONDO:0015356.

Allele frequency attached by ClinVar (database versions not stated): TOPMed below 0.00001; gnomAD 0.00001.

Submissions (5):

Labcorp Genetics (formerly Invitae), Labcorp
Classification: Likely benign for Juvenile polyposis syndrome. Last evaluated: 2025-11-10. Review status: criteria provided, single submitter. Criteria: Invitae Variant Classification Sherloc (09022015). Collection method: clinical testing. Allele origin: germline.

Myriad Genetics, Inc.
Classification: Benign for Juvenile polyposis syndrome. Last evaluated: 2024-08-05. Review status: criteria provided, single submitter. Criteria: Myriad Autosomal Dominant, Autosomal Recessive and X-Linked Classification Criteria (2023). Collection method: clinical testing. Allele origin: unknown.
Comment: This variant is considered benign. This variant is a silent/synonymous amino acid change and it is not expected to impact splicing.

All of Us Research Program, National Institutes of Health
Classification: Likely benign for Juvenile polyposis syndrome. Last evaluated: 2024-06-09. Review status: criteria provided, single submitter. Criteria: ACMG Guidelines, 2015. Collection method: clinical testing. Allele origin: germline. Inheritance: Autosomal dominant inheritance. Observed: 4 variant alleles, 4 heterozygotes.
Comment: This study involves interpretation of variants in research participants for the purpose of population health screening. Participant phenotype was not available at the time of variant classification. Additional details can be found in publication PMID: 35346344, PMCID: PMC8962531

Color Diagnostics, LLC DBA Color Health
Classification: Likely benign for Hereditary cancer-predisposing syndrome. Last evaluated: 2016-06-27. Review status: criteria provided, single submitter. Criteria: ACMG Guidelines, 2015. Collection method: clinical testing. Allele origin: germline.

Ambry Genetics
Classification: Likely benign for Hereditary cancer-predisposing syndrome. Last evaluated: 2015-11-12. Review status: criteria provided, single submitter. Criteria: Ambry Variant Classification Scheme 2023. Collection method: clinical testing. Allele origin: germline.